The following is an entry in ClinVar:

NM_000535.7(PMS2):c.914T>C (p.Leu305Pro)

Gene: PMS2 (PMS1 homolog 2, mismatch repair system component; minus strand). Cytogenetic location: 7p22.1.
Variant type: single nucleotide variant.
Coding change: c.914T>C on transcript NM_000535.7 (MANE Select); coding-DNA position 914, T replaced by C.
Protein change: p.Leu305Pro; replaces leucine 305 with proline.
Molecular consequence: missense variant. On other transcripts: 5 prime UTR variant (2), non-coding transcript variant (1).
Genome position (GRCh38, 1-based): chr7:5,992,047, A>G on the plus strand (T>C on the coding strand, the complement: PMS2 is on the minus strand). VCF-style: chr7-5992047-A-G. GRCh37 (hg19) VCF-style: chr7-6031678-A-G.
Other names: c.509T>C, p.Leu170Pro (NM_001322003.2, NM_001322004.2, NM_001322005.2 and 2 more transcripts); c.914T>C, p.Leu305Pro (NM_001322006.2, NM_001322014.2); c.596T>C, p.Leu199Pro (NM_001322007.2, NM_001322008.2); c.-20T>C (NM_001322011.2, NM_001322012.2); c.341T>C, p.Leu114Pro (NM_001322013.2); c.605T>C, p.Leu202Pro (NM_001322015.2); short protein forms L114P, L170P, L199P, L202P, L305P.
Identifiers: ClinVar variation 1320741 (VCV001320741.3), dbSNP rs1583345706, ClinGen allele CA366743203.
Genomic context (GRCh38, chr7:5,992,047, plus strand): 5'-ATGTTAAGAACAACAAATGGATACTGGTGTCGATTATACATGTGGTAGACCTCATTCACG[A>G]GTCTGCAGACCTGCACAAAATACAAGGAGTAGAAAAGAATAAATGACAAATGTTCCCAGC-3'
Protein context (NP_000526.2, residues 295-315): RPCDPAKVCR[Leu305Pro]VNEVYHMYNR

ClinVar aggregate classification (germline): Uncertain significance. Review status: criteria provided, multiple submitters, no conflicts (2 of 4 stars). 2 submissions from 2 submitters: Uncertain significance (2). Last evaluated 2026-07-07.

Conditions:
Hereditary cancer-predisposing syndrome. Also called: Hereditary Cancer Syndrome; Neoplastic Syndromes, Hereditary; Hereditary neoplastic syndrome; Tumor predisposition. Identifiers: Orphanet 140162, MedGen C0027672, MeSH D009386, MONDO:0015356.

Submissions (2):

Ambry Genetics
Classification: Uncertain significance for Hereditary cancer-predisposing syndrome. Last evaluated: 2026-07-07. Review status: criteria provided, single submitter. Criteria: Ambry Variant Classification Scheme 2023. Collection method: clinical testing. Allele origin: germline.
Comment: The p.L305P variant (also known as c.914T>C), located in coding exon 9 of the PMS2 gene, results from a T to C substitution at nucleotide position 914. The leucine at codon 305 is replaced by proline, an amino acid with similar properties. This amino acid position is conserved. In addition, this alteration is predicted to be deleterious by in silico analysis. Based on the available evidence, the clinical significance of this variant remains unclear.

GeneDx
Classification: Uncertain significance. Last evaluated: 2020-07-13. Review status: criteria provided, single submitter. Criteria: GeneDx Variant Classification Process June 2021. Collection method: clinical testing. Allele origin: germline. Affected: yes.
Comment: Not observed in large population cohorts (Lek 2016); In silico analysis supports that this missense variant has a deleterious effect on protein structure/function; Has not been previously published as pathogenic or benign to our knowledge